The following is an entry in ClinVar:

NM_001042681.2(RERE):c.2378C>G (p.Ala793Gly)

Gene: RERE (arginine-glutamic acid dipeptide repeats; minus strand). Cytogenetic location: 1p36.23.
Variant type: single nucleotide variant.
Coding change: c.2378C>G on transcript NM_001042681.2 (MANE Select); coding-DNA position 2378, C replaced by G.
Protein change: p.Ala793Gly; replaces alanine 793 with glycine.
Molecular consequence: missense variant.
Genome position (GRCh38, 1-based): chr1:8,361,129, G>C on the plus strand (C>G on the coding strand, the complement: RERE is on the minus strand). VCF-style: chr1-8361129-G-C. GRCh37 (hg19) VCF-style: chr1-8421189-G-C.
Other names: c.716C>G, p.Ala239Gly (NM_001042682.2); c.2378C>G, p.Ala793Gly (NM_012102.4); short protein forms A239G, A793G.
Identifiers: ClinVar variation 4535242 (VCV004535242.6).

ClinVar aggregate classification (germline): Uncertain significance (1 of 4 stars; one submission).

Submission:

CeGaT Center for Human Genetics Tuebingen
Classification: Uncertain significance. Last evaluated: 2025-11-01. Review status: criteria provided, single submitter. Criteria: CeGaT Center For Human Genetics Tuebingen Variant Classification Criteria Version 2. Collection method: clinical testing. Allele origin: germline. Affected: yes. Observed: 1 variant allele.
Comment: RERE: PM2, BP4